The following is an entry in ClinVar:

NM_017780.4(CHD7):c.3122dup (p.Leu1041fs)

Gene: CHD7 (chromodomain helicase DNA binding protein 7; plus strand). Cytogenetic location: 8q12.2.
Variant type: Duplication.
Coding change: c.3122dup on transcript NM_017780.4 (MANE Select); coding-DNA position 3122, one base duplicated (T; older notation c.3122dupT).
Protein change: p.Leu1041fs; shifts the reading frame from leucine 1041.
Molecular consequence: frameshift variant. On other transcripts: intron variant (1).
Genome position (GRCh38, 1-based): chr8:60,822,667, T duplicated; the last of 2 consecutive T bases (chr8:60,822,666-60,822,667); duplicating either gives the same sequence. VCF-style (leftmost placement, unchanged base first): chr8-60822665-G-GT. GRCh37 (hg19) VCF-style: chr8-61735224-G-GT.
Other names: c.1717-39562dup (NM_001316690.1); short protein forms L1041fs.
Identifiers: ClinVar variation 3359376 (VCV003359376.1).

ClinVar aggregate classification (germline): Pathogenic (1 of 4 stars; one submission).

Submission:

GeneDx
Classification: Pathogenic. Last evaluated: 2024-04-05. Review status: criteria provided, single submitter. Criteria: GeneDx Variant Classification Process June 2021. Collection method: clinical testing. Allele origin: germline. Affected: yes.
Comment: Identified in a patient with clinical features consistent with CHARGE syndrome referred for genetic testing at GeneDx (PMID: 21158681); Frameshift variant predicted to result in protein truncation or nonsense mediated decay in a gene for which loss of function is a known mechanism of disease; Not observed at significant frequency in large population cohorts (gnomAD); This variant is associated with the following publications: (PMID: 21158681)